The following is an entry in ClinVar:

ClinVar aggregate classification (germline): Uncertain significance (1 of 4 stars; one submission).

Conditions:
Kabuki syndrome. Also called: NIIKAWA-KUROKI SYNDROME; Kabuki make-up syndrome. Identifiers: Orphanet 2322, MedGen C0796004, MONDO:0016512.

Submission:

Labcorp Genetics (formerly Invitae), Labcorp
Classification: Uncertain significance for Kabuki syndrome. Last evaluated: 2023-10-13. Review status: criteria provided, single submitter. Criteria: Invitae Variant Classification Sherloc (09022015). Collection method: clinical testing. Allele origin: germline.
Comment: This sequence change replaces serine, which is neutral and polar, with glycine, which is neutral and non-polar, at codon 4493 of the KMT2D protein (p.Ser4493Gly). This variant is not present in population databases (gnomAD no frequency). This variant has not been reported in the literature in individuals affected with KMT2D-related conditions. Advanced modeling of protein sequence and biophysical properties (such as structural, functional, and spatial information, amino acid conservation, physicochemical variation, residue mobility, and thermodynamic stability) performed at Invitae indicates that this missense variant is not expected to disrupt KMT2D protein function. In summary, the available evidence is currently insufficient to determine the role of this variant in disease. Therefore, it has been classified as a Variant of Uncertain Significance.

NM_003482.4(KMT2D):c.13477A>G (p.Ser4493Gly)

Gene: KMT2D (lysine methyltransferase 2D; minus strand). Cytogenetic location: 12q13.12.
Variant type: single nucleotide variant.
Coding change: c.13477A>G on transcript NM_003482.4 (MANE Select); coding-DNA position 13477, A replaced by G.
Protein change: p.Ser4493Gly; replaces serine 4493 with glycine.
Molecular consequence: missense variant.
Genome position (GRCh38, 1-based): chr12:49,031,228, T>C on the plus strand (A>G on the coding strand, the complement: KMT2D is on the minus strand). VCF-style: chr12-49031228-T-C. GRCh37 (hg19) VCF-style: chr12-49425011-T-C.
Other names: short protein forms S4493G.
Identifiers: ClinVar variation 2871576 (VCV002871576.3), dbSNP rs2498349863, ClinGen allele CA384704125.